The following is an entry in ClinVar:

NM_017802.4(DNAAF5):c.1031G>A (p.Arg344His)

Gene: DNAAF5 (dynein axonemal assembly factor 5; plus strand). Cytogenetic location: 7p22.3.
Variant type: single nucleotide variant.
Coding change: c.1031G>A on transcript NM_017802.4 (MANE Select); coding-DNA position 1031, G replaced by A.
Protein change: p.Arg344His; replaces arginine 344 with histidine.
Molecular consequence: missense variant. On other transcripts: non-coding transcript variant (1).
Genome position (GRCh38, 1-based): chr7:754,595, G>A. VCF-style: chr7-754595-G-A. GRCh37 (hg19) VCF-style: chr7-794232-G-A.
Other names: short protein forms R344H.
Identifiers: ClinVar variation 943895 (VCV000943895.8), dbSNP rs200002909, ClinGen allele CA4110579.
Genomic context (GRCh38, chr7:754,595, plus strand): 5'-TTGTTGAGGTTTTGCTTGTGAATTTCTCATTCTTCTTTCCCTTTTTCGTTCCAGAGCGCC[G>A]CCCTGTGCTGGGCTGCCGGGAGCTCGTCTTCAGGAACCTCTCCAAGATCCTCCCTGCCCT-3'
Protein context (NP_060272.3, residues 334-354): TPPHYPPHER[Arg344His]PVLGCRELVF

ClinVar aggregate classification (germline): Uncertain significance. Review status: criteria provided, multiple submitters, no conflicts (2 of 4 stars). 2 submissions from 2 submitters: Uncertain significance (2). Last evaluated 2025-05-05.

Conditions:
Primary ciliary dyskinesia. Also called: Ciliary dyskinesia. Identifiers: Orphanet 244, MedGen C0008780, MONDO:0016575, HP:0012265.

Allele frequency attached by ClinVar (database versions not stated): ExAC 0.00001; gnomAD exomes 0.00001; TOPMed 0.00007; gnomAD 0.00009; 1000 Genomes Project 0.00020; 1000 Genomes Project 30x 0.00031.
gnomAD v4.1: 22 of 1,613,680 alleles (0.0014%); highest among the groups gnomAD compares: African/African-American, 0.024%; no homozygotes.

Submissions (2):

Ambry Genetics
Classification: Uncertain significance for Primary ciliary dyskinesia. Last evaluated: 2025-05-05. Review status: criteria provided, single submitter. Criteria: Ambry Variant Classification Scheme 2023. Collection method: clinical testing. Allele origin: germline.
Comment: The p.R344H variant (also known as c.1031G>A), located in coding exon 5 of the DNAAF5 gene, results from a G to A substitution at nucleotide position 1031. The arginine at codon 344 is replaced by histidine, an amino acid with highly similar properties. This amino acid position is conserved. In addition, this alteration is predicted to be deleterious by in silico analysis. Based on the available evidence, the clinical significance of this variant remains unclear.

Labcorp Genetics (formerly Invitae), Labcorp
Classification: Uncertain significance for Primary ciliary dyskinesia. Last evaluated: 2021-09-01. Review status: criteria provided, single submitter. Criteria: Invitae Variant Classification Sherloc (09022015). Collection method: clinical testing. Allele origin: germline.
Comment: This sequence change replaces arginine with histidine at codon 344 of the DNAAF5 protein (p.Arg344His). The arginine residue is highly conserved and there is a small physicochemical difference between arginine and histidine. This variant is present in population databases (rs200002909, ExAC 0.009%). This variant has not been reported in the literature in individuals affected with DNAAF5-related conditions. Algorithms developed to predict the effect of missense changes on protein structure and function are either unavailable or do not agree on the potential impact of this missense change (SIFT: "Deleterious"; PolyPhen-2: "Possibly Damaging"; Align-GVGD: "Class C0"). In summary, the available evidence is currently insufficient to determine the role of this variant in disease. Therefore, it has been classified as a Variant of Uncertain Significance.